The following is an entry in ClinVar:

NM_001122681.2(SH3BP2):c.893G>A (p.Arg298Gln)

Gene: SH3BP2 (SH3 domain binding protein 2; plus strand). Cytogenetic location: 4p16.3.
Variant type: single nucleotide variant.
Coding change: c.893G>A on transcript NM_001122681.2 (MANE Select); coding-DNA position 893, G replaced by A.
Protein change: p.Arg298Gln; replaces arginine 298 with glutamine.
Molecular consequence: missense variant.
Genome position (GRCh38, 1-based): chr4:2,829,799, G>A. VCF-style: chr4-2829799-G-A. GRCh37 (hg19) VCF-style: chr4-2831526-G-A.
Other names: c.977G>A, p.Arg326Gln (NM_001145855.2); c.1064G>A, p.Arg355Gln (NM_001145856.2); c.893G>A, p.Arg298Gln (NM_003023.4); short protein forms R298Q, R326Q, R355Q.
Identifiers: ClinVar variation 965167 (VCV000965167.11), dbSNP rs1042293143, ClinGen allele CA91411377.
Genomic context (GRCh38, chr4:2,829,799, plus strand): 5'-GCGATCCCCCTCTGAGCACCATGCCCACCGCACCCGGCCTCCGGAAACCCCCTTGCTTCC[G>A]GGAGAGTGCCAGCCCCAGCCCGGAGCCCTGGACCCCTGGCCACGGGGCCTGCTCCACTTC-3'
Protein context (NP_001116153.1, residues 288-308): APGLRKPPCF[Arg298Gln]ESASPSPEPW

ClinVar aggregate classification (germline): Uncertain significance. Review status: criteria provided, multiple submitters, no conflicts (2 of 4 stars). 2 submissions from 2 submitters: Uncertain significance (2). Last evaluated 2026-01-26.

Conditions:
Inborn genetic diseases. Identifiers: MedGen C0950123, MeSH D030342.
Fibrous dysplasia of jaw (CRBM). Also called: Cherubism. Identifiers: Orphanet 184, MedGen C0008029, MONDO:0007315, OMIM 118400.

Allele frequency attached by ClinVar (database versions not stated): gnomAD 0.00001; gnomAD exomes 0.00002; TOPMed 0.00002.
gnomAD v4.1: 33 of 1,613,126 alleles (0.002%); highest among the groups gnomAD compares: Admixed American, 0.0033%; no homozygotes.

Submissions (2):

Labcorp Genetics (formerly Invitae), Labcorp
Classification: Uncertain significance for Fibrous dysplasia of jaw. Last evaluated: 2026-01-26. Review status: criteria provided, single submitter. Criteria: Invitae Variant Classification Sherloc (09022015). Collection method: clinical testing. Allele origin: germline.
Comment: This sequence change replaces arginine, which is basic and polar, with glutamine, which is neutral and polar, at codon 298 of the SH3BP2 protein (p.Arg298Gln). This variant is present in population databases (no rsID available, gnomAD 0.007%). This variant has not been reported in the literature in individuals affected with SH3BP2-related conditions. ClinVar contains an entry for this variant (Variation ID: 965167). An algorithm developed to predict the effect of missense changes on protein structure and function outputs the following: PolyPhen-2: "Benign". The glutamine amino acid residue is found in multiple mammalian species, which suggests that this missense change does not adversely affect protein function. In summary, the available evidence is currently insufficient to determine the role of this variant in disease. Therefore, it has been classified as a Variant of Uncertain Significance.

Ambry Genetics
Classification: Uncertain significance for Inborn genetic diseases. Last evaluated: 2024-10-12. Review status: criteria provided, single submitter. Criteria: Ambry Variant Classification Scheme 2023. Collection method: clinical testing. Allele origin: germline.